The following is an entry in ClinVar:

NM_007194.4(CHEK2):c.1175C>G (p.Ala392Gly)

Gene: CHEK2 (checkpoint kinase 2; minus strand). Cytogenetic location: 22q12.1.
Variant type: single nucleotide variant.
Coding change: c.1175C>G on transcript NM_007194.4 (MANE Select); coding-DNA position 1175, C replaced by G.
Protein change: p.Ala392Gly; replaces alanine 392 with glycine.
Molecular consequence: missense variant.
Genome position (GRCh38, 1-based): chr22:28,695,794, G>C on the plus strand (C>G on the coding strand, the complement: CHEK2 is on the minus strand). VCF-style: chr22-28695794-G-C. GRCh37 (hg19) VCF-style: chr22-29091782-G-C.
Other names: c.1304C>G, p.Ala435Gly (NM_001005735.3); c.512C>G, p.Ala171Gly (NM_001257387.3); c.974C>G, p.Ala325Gly (NM_001349956.3); c.1088C>G, p.Ala363Gly (NM_145862.3); short protein forms A171G, A325G, A363G, A392G, A435G.
Identifiers: ClinVar variation 3266968 (VCV003266968.1).

ClinVar aggregate classification (germline): Uncertain significance (1 of 4 stars; one submission).

Conditions:
Hereditary cancer-predisposing syndrome. Also called: Hereditary Cancer Syndrome; Tumor predisposition; Hereditary neoplastic syndrome; Neoplastic Syndromes, Hereditary. Identifiers: Orphanet 140162, MedGen C0027672, MeSH D009386, MONDO:0015356.

Submission:

Ambry Genetics
Classification: Uncertain significance for Hereditary cancer-predisposing syndrome. Last evaluated: 2024-06-05. Review status: criteria provided, single submitter. Criteria: Ambry Variant Classification Scheme 2023. Collection method: clinical testing. Allele origin: germline.
Comment: The p.A392G variant (also known as c.1175C>G), located in coding exon 10 of the CHEK2 gene, results from a C to G substitution at nucleotide position 1175. The alanine at codon 392 is replaced by glycine, an amino acid with similar properties. This amino acid position is highly conserved in available vertebrate species. In addition, this alteration is predicted to be deleterious by in silico analysis. Based on the available evidence, the clinical significance of this variant remains unclear.